The following continues an entry in ClinVar:

NM_000059.4(BRCA2):c.4415_4418del (p.Lys1472fs)

Gene: BRCA2. ClinVar aggregate classification (germline): Pathogenic. Pathogenic (1).

Submissions 11 to 23 of 23:

Laboratory for Molecular Medicine, Mass General Brigham Personalized Medicine
Classification: Pathogenic for Hereditary breast ovarian cancer syndrome. Last evaluated: 2019-10-14. Review status: criteria provided, single submitter. Criteria: ACMG Guidelines, 2015. Collection method: clinical testing. Allele origin: germline. Not counted in ClinVar's aggregate classification.
Comment: The p.Lys1472ThrfsX6 variant in BRCA2 has been reported in at least 5 individuals with BRCA2-related cancers (Hansen 2017, Li 2018, Pietschmann 2005, Konstantopoulou 2014). It has also been identified in 1/112594 European chromosomes by gnomAD; however, this frequency is low enough to be consistent with the frequency of hereditary breast and ovarian cancer (HBOC) in the general population. This variant is predicted to cause a frameshift, which alters the protein’s amino acid sequence beginning at position 1472 and leads to a premature termination codon 6 amino acids downstream. This alteration is then predicted to lead to a truncated or absent protein. Loss of function of the BRCA2 gene is an established disease mechanism in autosomal dominant hereditary breast and ovarian cancer syndrome (HBOC). Additionally, this variant was classified as Pathogenic on Sept 8 2016 by the ClinGen-approved ENIGMA expert panel (Variation ID: 37902). In summary, this variant meets criteria to be classified as pathogenic for autosomal dominant HBOC. ACMG/AMP Criteria applied: PVS1, PM2, PS4_Moderate.

Institute of Human Genetics, University of Leipzig Medical Center
Classification: Pathogenic for Familial cancer of breast. Last evaluated: 2019-01-01. Review status: criteria provided, single submitter. Criteria: ACMG Guidelines, 2015. Collection method: clinical testing. Allele origin: unknown. Affected: yes. Not counted in ClinVar's aggregate classification.

Women's Health and Genetics/Laboratory Corporation of America, LabCorp
Classification: Pathogenic for Hereditary breast and ovarian cancer syndrome. Last evaluated: 2018-04-02. Review status: criteria provided, single submitter. Criteria: LabCorp Variant Classification Summary - May 2015. Collection method: clinical testing. Allele origin: germline. Not counted in ClinVar's aggregate classification.
Comment: Variant summary: BRCA2 c.4415_4418delAGAA (p.Lys1472ThrfsX6) results in a premature termination codon, predicted to cause a truncation of the encoded protein or absence of the protein due to nonsense mediated decay, which are commonly known mechanisms for disease. The variant allele was found at a frequency of 4.1e-06 in 243794 control chromosomes (gnomAD and publications). c.4415_4418delAGAA has been reported in the literature in individuals affected with Hereditary Breast and Ovarian Cancer (Lubinski 2004, Pietschmann 2005, Konstantopoulou 2014, Eccles 2016). These data indicate that the variant is likely to be associated with disease. To our knowledge, no experimental evidence demonstrating an impact on protein function has been reported. Six clinical diagnostic laboratories have submitted clinical-significance assessments for this variant to ClinVar after 2014 without evidence for independent evaluation. All laboratories classified the variant as pathogenic. Based on the evidence outlined above, the variant was classified as pathogenic.

Consortium of Investigators of Modifiers of BRCA1/2 (CIMBA), c/o University of Cambridge
Classification: Pathogenic for Breast-ovarian cancer, familial, susceptibility to, 2. Last evaluated: 2015-10-02. Review status: criteria provided, single submitter. Criteria: CIMBA Mutation Classification guidelines May 2016. Collection method: clinical testing. Allele origin: germline. Not counted in ClinVar's aggregate classification.

Quest Diagnostics Nichols Institute San Juan Capistrano
Classification: Pathogenic. Last evaluated: 2015-04-20. Review status: criteria provided, single submitter. Criteria: Quest Diagnostics criteria. Collection method: clinical testing. Allele origin: germline. Not counted in ClinVar's aggregate classification.

Juno Genomics, Hangzhou Juno Genomics, Inc
Classification: Pathogenic for Breast-ovarian cancer, familial, susceptibility to, 2. Review status: criteria provided, single submitter. Criteria: ACMG Guidelines, 2015. Collection method: clinical testing. Allele origin: germline. Not counted in ClinVar's aggregate classification.
Comment: Null variant in a gene where loss of function (LOF) is a known mechanism of disease.;Novel missense change at an amino acid residue where a different missense change determined to be pathogenic has been seen before.;The prevalence of the variant in affected individuals is significantly increased compared to the prevalence in controls.

Molecular Endocrinology Laboratory, Christian Medical College
Classification: Pathogenic for Breast-ovarian cancer, familial, susceptibility to, 2. Review status: criteria provided, single submitter. Criteria: ACMG Guidelines, 2015. Collection method: clinical testing. Allele origin: germline. Affected: yes. Not counted in ClinVar's aggregate classification.

BRCAlab, Lund University
Classification: Pathogenic for Breast-ovarian cancer, familial, susceptibility to, 2. Last evaluated: 2022-08-26. Review status: no assertion criteria provided. Collection method: clinical testing. Allele origin: germline. Affected: yes. Not counted in ClinVar's aggregate classification.

Laboratory for Genotyping Development, RIKEN
Classification: Pathogenic for Gastric cancer. Last evaluated: 2021-07-01. Review status: no assertion criteria provided. Collection method: research. Allele origin: germline. Not counted in ClinVar's aggregate classification.

Counsyl
Classification: Pathogenic for Breast-ovarian cancer, familial, susceptibility to, 2. Last evaluated: 2016-11-14. Review status: no assertion criteria provided. Collection method: clinical testing. Allele origin: unknown. Not counted in ClinVar's aggregate classification.

Research Molecular Genetics Laboratory, Women's College Hospital, University of Toronto
Classification: Pathogenic for Hereditary breast ovarian cancer syndrome. Last evaluated: 2014-01-31. Review status: no assertion criteria provided. Collection method: research. Allele origin: germline. Affected: yes. Study: The Canadian Open Genetics Repository (COGR). Not counted in ClinVar's aggregate classification.

Sharing Clinical Reports Project (SCRP)
Classification: Pathogenic for Breast-ovarian cancer, familial 2. Last evaluated: 2012-05-01. Review status: no assertion criteria provided. Collection method: clinical testing. Allele origin: germline. Not counted in ClinVar's aggregate classification.

Department of Pathology and Laboratory Medicine, Sinai Health System
Classification: Pathogenic. Review status: no assertion criteria provided. Collection method: clinical testing. Allele origin: unknown. Affected: yes. Observed: 1 variant allele. Study: The Canadian Open Genetics Repository (COGR). Not counted in ClinVar's aggregate classification.
Comment: The BRCA2 p.Lys1472Thrfs*6 variant was identified in 6 of 2414 proband chromosomes (frequency: 0.002) from individuals or families with Lynch syndrome, breast, or ovarian cancer (Hansen 2017, Karami 2013, Konstantopoulou 2014, Lubinski 2004, Pietschmann 2005). The variant was also identified in dbSNP (ID: rs397507333) as "With Pathogenic allele", ClinVar (classified as pathogenic by Invitae, GeneDx and six other submitters), LOVD 3.0 (7x as pathogenic), and in ARUP Laboratories (as definitely pathogenic) databases. The variant was not identified in COGR, Cosmic, UMD-LSDB, BIC Database, or Zhejiang University databases. The variant was not identified in the following control databases: the Exome Aggregation Consortium (August 8th 2016), or the Genome Aggregation Database (Feb 27, 2017). The c.4415_4418del variant is predicted to cause a frameshift, which alters the protein's amino acid sequence beginning at codon 1472 and leads to a premature stop codon at position 1477. This alteration is then predicted to result in a truncated or absent protein and loss of function. Loss of function variants of the BRCA2 gene are an established mechanism of disease in BRCA2 associated cancers and is the type of variant expected to cause the disorder. In summary, based on the above information this variant meets our laboratoryâ€šÃ„Ã´s criteria to be classified as pathogenic.

Literature cited by the submitters: PubMed 20104584 (cited by Labcorp Genetics (formerly Invitae), Labcorp and GeneKor MSA); PubMed 15131399 (cited by 5 submitters); PubMed 15918047 (cited by 7 submitters); PubMed 24010542 (cited by 5 submitters); PubMed 26681682 (cited by 3 submitters); PubMed 28195393 (cited by 3 submitters); PubMed 24312913 (cited by Ambry Genetics); PubMed 29752822 (cited by Laboratory for Molecular Medicine, Mass General Brigham Personalized Medicine); PubMed 26295337 (cited by Quest Diagnostics Nichols Institute San Juan Capistrano); PubMed 36988593 (cited by Laboratory for Genotyping Development, RIKEN).